The following is an entry in ClinVar:

ClinVar aggregate classification (germline): Benign/Likely benign. Review status: criteria provided, multiple submitters, no conflicts (2 of 4 stars). 19 submissions from 19 submitters: Benign (10); Likely benign (3). 6 of the submissions do not count toward it. Last evaluated 2026-02-04.

Conditions:
Hereditary cancer-predisposing syndrome. Also called: Tumor predisposition; Hereditary neoplastic syndrome; Neoplastic Syndromes, Hereditary; Hereditary Cancer Syndrome. Identifiers: Orphanet 140162, MedGen C0027672, MeSH D009386, MONDO:0015356.
Fanconi anemia (FA). Also called: Fanconi's anemia. Identifiers: Orphanet 84, MedGen C0015625, MeSH D005199, MONDO:0019391.
Fanconi anemia complementation group C (FANCC). Also called: Fanconi anemia, group C; FANCONI PANCYTOPENIA, TYPE 3; FACC; FANCC-Related Fanconi Anemia. Identifiers: Orphanet 84, MedGen C3468041, MONDO:0009213, OMIM 227645.
Fanconi anemia complementation group A (FANCA). Also called: Fanconi anemia, group A; FANCA-Related Fanconi Anemia. Identifiers: Orphanet 84, MedGen C3469521, MONDO:0009215, OMIM 227650.
Malignant tumor of breast. Also called: Cancer breast; Malignant breast neoplasm. Identifiers: MedGen C0006142, MONDO:0007254. Disease mechanism: loss of function.

Allele frequency attached by ClinVar (database versions not stated): gnomAD exomes 0.00348; ExAC 0.00421; 1000 Genomes Project 0.01258; 1000 Genomes Project 30x 0.01327; gnomAD 0.01368 and 0.01494; TOPMed 0.01533; ESP Exome Variant Server 0.01538.

Submissions (19):

Labcorp Genetics (formerly Invitae), Labcorp
Classification: Benign for Fanconi anemia. Last evaluated: 2026-02-04. Review status: criteria provided, single submitter. Criteria: Invitae Variant Classification Sherloc (09022015). Collection method: clinical testing. Allele origin: germline.

Quest Diagnostics Nichols Institute San Juan Capistrano
Classification: Benign. Last evaluated: 2025-07-02. Review status: criteria provided, single submitter. Criteria: Quest Diagnostics criteria. Collection method: clinical testing. Allele origin: unknown.

Molecular Diagnostics Laboratory, Catalan Institute of Oncology
Classification: Benign for Hereditary cancer-predisposing syndrome. Last evaluated: 2025-05-18. Review status: criteria provided, single submitter. Criteria: ACMG Guidelines, 2015. Collection method: clinical testing. Allele origin: germline.
Comment: BA1 c.416G>A located in exon 5 of the FANCC gene, is predicted to result in the substitution of glycine by glutamic acid at codon 139, p.(Gly139Glu). This variant is found in 1125/23574 (28 homozygotes) with an filter allele frequency of 4.4% in the gnomAD v2.1.1 database (African non-cancer data set)(BA1). The SpliceAI algorithm predicts no significant impact on splicing and the REVEL meta-predictor score (0.272) for this variant suggests no effect on the protein function according Pejaver 2022 thresholds (PMID: 36413997). To our knowledge, functional studies have not been reported for this variant. This variant has been reported in the ClinVar database (11x benign, 4x likely benign, 1x uncertain significance)and in the LOVD database (2x benign, 2x likely benign, 1x uncertain significance, 2x not classified). Based on currently available information, the variant c.416G>A is classified as a benign variant according to ACMG guidelines.

ARUP Laboratories, Molecular Genetics and Genomics, ARUP Laboratories
Classification: Benign for Fanconi anemia complementation group C. Last evaluated: 2025-05-05. Review status: criteria provided, single submitter. Criteria: ARUP Molecular Germline Variant Investigation Process 2024. Collection method: clinical testing. Allele origin: germline.

KCCC/NGS Laboratory, Kuwait Cancer Control Center
Classification: Benign for Fanconi anemia complementation group C. Last evaluated: 2023-07-07. Review status: criteria provided, single submitter. Criteria: ACMG Guidelines, 2015. Collection method: clinical testing. Allele origin: germline. Affected: yes.

Mendelics
Classification: Benign for Fanconi anemia complementation group A. Last evaluated: 2019-05-28. Review status: criteria provided, single submitter. Criteria: Mendelics Assertion Criteria 2017. Collection method: clinical testing. Allele origin: unknown.

Illumina Laboratory Services, Illumina
Classification: Likely benign for Fanconi anemia complementation group C. Last evaluated: 2017-04-27. Review status: criteria provided, single submitter. Criteria: ICSL Variant Classification Criteria 13 December 2019. Collection method: clinical testing. Allele origin: germline.
Comment: This variant was observed as part of a predisposition screen in an ostensibly healthy population. A literature search was performed for the gene, cDNA change, and amino acid change (where applicable). No publications were found based on this search. Allele frequency data from public databases allowed determination this variant is unlikely to cause disease. Therefore, this variant is classified as likely benign.

Center for Pediatric Genomic Medicine, Children's Mercy Hospital and Clinics
Classification: Likely benign. Last evaluated: 2016-09-20. Review status: criteria provided, single submitter. Criteria: ACMG Guidelines, 2015. Collection method: clinical testing. Allele origin: germline.
ClinVar note: Converted during submission from Likely Benign to Likely benign.

Ambry Genetics
Classification: Benign for Hereditary cancer-predisposing syndrome. Last evaluated: 2016-08-18. Review status: criteria provided, single submitter. Criteria: Ambry Variant Classification Scheme 2023. Collection method: clinical testing. Allele origin: germline.

Women's Health and Genetics/Laboratory Corporation of America, LabCorp
Classification: Benign. Last evaluated: 2016-04-29. Review status: criteria provided, single submitter. Criteria: LabCorp Variant Classification Summary - May 2015. Collection method: clinical testing. Allele origin: germline.
Comment: Variant summary: The c.416G>A variant affects a conserved nucleotide, resulting in amino acid change from Gly to Glu. 4/4 in-silico tools predict damaging outcome for this variant (SNPs&GO not captured due to low reliability index). This variant is found in 508/120796 control chromosomes (6 homozygotes) at a frequency of 0.0042054. The variant was present predominantly in the African population at a frequency of 4.5% which is about 26 times of the maximal expected frequency of a pathogenic allele (0.0017678), strongli indicating this variant is benign. In addition, publications/clinical laboratories have classified this variant as benign. Taken together, this variant was classified as benign.

GeneDx
Classification: Benign. Last evaluated: 2013-10-31. Review status: criteria provided, single submitter. Criteria: GeneDx Variant Classification (06012015). Collection method: clinical testing. Allele origin: germline. Affected: yes.
Comment: This variant is considered likely benign or benign based on one or more of the following criteria: it is a conservative change, it occurs at a poorly conserved position in the protein, it is predicted to be benign by multiple in silico algorithms, and/or has population frequency not consistent with disease.

Breakthrough Genomics
Classification: Likely benign. Review status: criteria provided, single submitter. Criteria: ACMG Guidelines, 2015. Collection method: not provided. Allele origin: germline. Inheritance: Autosomal recessive inheritance. Affected: yes.

PreventionGenetics, part of Exact Sciences
Classification: Benign. Review status: criteria provided, single submitter. Criteria: ACMG Guidelines, 2015. Collection method: clinical testing. Allele origin: germline.

Leiden Open Variation Database
Classification: Uncertain significance. Last evaluated: 2020-02-28. Review status: no assertion criteria provided. Collection method: curation. Allele origin: germline. Affected: yes. Not counted in ClinVar's aggregate classification.
Comment: Curator: Arleen D. Auerbach. Submitter to LOVD: Arleen D. Auerbach.

Natera, Inc.
Classification: Likely benign for Fanconi anemia. Last evaluated: 2017-03-29. Review status: no assertion criteria provided. Collection method: clinical testing. Allele origin: germline. Not counted in ClinVar's aggregate classification.

ITMI
No classification provided. Condition: AllHighlyPenetrant. Last evaluated: 2013-09-19. Review status: no classification provided. Collection method: reference population. Allele origin: germline. Not counted in ClinVar's aggregate classification.
Comment: Please see associated publication for description of ethnicities

Department of Pathology and Laboratory Medicine, Sinai Health System
Classification: Benign for Malignant tumor of breast. Review status: no assertion criteria provided. Collection method: clinical testing. Allele origin: unknown. Affected: yes. Observed: 1 variant allele. Study: The Canadian Open Genetics Repository (COGR). Not counted in ClinVar's aggregate classification.
Comment: The FANCC p.Gly139Glu variant was identified in 5 of 1190 proband chromosomes (frequency: 0.0042) from individuals or families with Fanconi anemia and pancreatic cancer, and was present in 1 of 1362 control chromosomes (frequency: 0.00073) from healthy individuals (Couch_2005_15695377, Verlander_1994_8128956). The variant was also identified in dbSNP (ID: rs1800362) as â€šÃ„ÃºWith other allele,â€šÃ„Ã¹ ClinVar (as benign by GeneDx, Invitae, PreventionGenetics, Ambry Genetics, and Laboratory Corporation of America, and as likely benign by Illumina and Center for Pediatric Genomic Medicine Children's Mercy Hospital), and Clinvitae (as in ClinVar) databases. The variant was not identified in Cosmic, MutDB, or LOVD 3.0 databases. The variant was identified in control databases in 1253 of 276924 chromosomes (30 homozygous) at a frequency of 0.004525 increasing the likelihood this could be a low frequency benign variant (Genome Aggregation Database Feb 27, 2017). Breakdown of the observations by population include African in 1133 of 24008 chromosomes (freq: 0.04719), Other in 13 of 6454 chromosomes (freq: 0.002014), Latino in 82 of 34404 chromosomes (freq: 0.002383), European (Non-Finnish) in 14 of 126516 chromosomes (freq: 0.000111), and South Asian in 11 of 30768 chromosomes (freq: 0.000358), while the variant was not observed in the Ashkenazi Jewish, East Asian, or European Finnis populations. The p.Gly139Glu residue is conserved in mammals and computational analyses (PolyPhen-2, SIFT, AlignGVGD, BLOSUM, MutationTaster) provide inconsistent predictions regarding the impact to the protein; this information is not very predictive of pathogenicity. The variant occurs outside of the splicing consensus sequence and in silico or computational prediction software programs (SpliceSiteFinder, MaxEntScan, NNSPLICE, GeneSplicer, HumanSpliceFinder) do not predict a difference in splicing. In summary, based on the above information this variant meets our laboratory's criteria to be classified as benign.

Genome Diagnostics Laboratory, Amsterdam University Medical Center
Classification: Benign. Review status: no assertion criteria provided. Collection method: clinical testing. Allele origin: germline. Affected: yes. Study: VKGL Data-share Consensus. Not counted in ClinVar's aggregate classification.

Laboratory of Diagnostic Genome Analysis, Leiden University Medical Center (LUMC)
Classification: Likely benign. Review status: no assertion criteria provided. Collection method: clinical testing. Allele origin: germline. Affected: yes. Study: VKGL Data-share Consensus. Not counted in ClinVar's aggregate classification.

Literature cited by the submitters: PubMed 24728327 (cited by Quest Diagnostics Nichols Institute San Juan Capistrano and ITMI); PubMed 15695377 (cited by Quest Diagnostics Nichols Institute San Juan Capistrano and Women's Health and Genetics/Laboratory Corporation of America, LabCorp); PubMed 8128956 (cited by Quest Diagnostics Nichols Institute San Juan Capistrano); PubMed 8348157 (cited by Quest Diagnostics Nichols Institute San Juan Capistrano); PubMed 12670332 (cited by Quest Diagnostics Nichols Institute San Juan Capistrano); PubMed 08128956 (cited by Leiden Open Variation Database); PubMed 08348157 (cited by Leiden Open Variation Database).

NM_000136.3(FANCC):c.416G>A (p.Gly139Glu)

Gene: FANCC (FA complementation group C; minus strand). Cytogenetic location: 9q22.32.
Variant type: single nucleotide variant.
Coding change: c.416G>A on transcript NM_000136.3 (MANE Select); coding-DNA position 416, G replaced by A.
Protein change: p.Gly139Glu; replaces glycine 139 with glutamic acid.
Molecular consequence: missense variant.
Genome position (GRCh38, 1-based): chr9:95,172,077, C>T on the plus strand (G>A on the coding strand, the complement: FANCC is on the minus strand). VCF-style: chr9-95172077-C-T. GRCh37 (hg19) VCF-style: chr9-97934359-C-T.
Other names: p.G139E:GGG>GAG; c.416G>A, p.Gly139Glu (NM_001243744.2, NM_001243743.2); short protein forms G139E.
Identifiers: ClinVar variation 134304 (VCV000134304.37), dbSNP rs1800362, ClinGen allele CA159408.